The following is an entry in ClinVar:

NM_025081.3(NYNRIN):c.873C>A (p.Asn291Lys)

Gene: NYNRIN (NYN domain and retroviral integrase containing; plus strand). Cytogenetic location: 14q12.
Variant type: single nucleotide variant.
Coding change: c.873C>A on transcript NM_025081.3 (MANE Select); coding-DNA position 873, C replaced by A.
Protein change: p.Asn291Lys; replaces asparagine 291 with lysine.
Molecular consequence: missense variant.
Genome position (GRCh38, 1-based): chr14:24,408,667, C>A. VCF-style: chr14-24408667-C-A. GRCh37 (hg19) VCF-style: chr14-24877873-C-A.
Other names: short protein forms N291K.
Identifiers: ClinVar variation 4746641 (VCV004746641.1).

ClinVar aggregate classification (germline): Uncertain significance (1 of 4 stars; one submission).

gnomAD v4.1: 3 of 1,604,462 alleles (0.00019%); highest among the groups gnomAD compares: Non-Finnish European, 0.00026%; no homozygotes.

Submission:

Labcorp Genetics (formerly Invitae), Labcorp
Classification: Uncertain significance. Last evaluated: 2025-04-27. Review status: criteria provided, single submitter. Criteria: Invitae Variant Classification Sherloc (09022015). Collection method: clinical testing. Allele origin: germline.
Comment: This sequence change replaces asparagine, which is neutral and polar, with lysine, which is basic and polar, at codon 291 of the NYNRIN protein (p.Asn291Lys). The frequency data for this variant in the population databases is considered unreliable, as metrics indicate poor data quality at this position in the gnomAD database. This variant has not been reported in the literature in individuals affected with NYNRIN-related conditions. An algorithm developed to predict the effect of missense changes on protein structure and function outputs the following: PolyPhen-2: "Not Available". The lysine amino acid residue is found in multiple mammalian species, which suggests that this missense change does not adversely affect protein function. In summary, the available evidence is currently insufficient to determine the role of this variant in disease. Therefore, it has been classified as a Variant of Uncertain Significance.